The following is an entry in ClinVar:

ClinVar aggregate classification (germline): Uncertain significance (1 of 4 stars; one submission).

Conditions:
Hereditary diffuse gastric adenocarcinoma (HDGC). Also called: DIFFUSE GASTRIC AND LOBULAR BREAST CANCER SYNDROME. Identifiers: Orphanet 26106, MedGen C1708349, MONDO:0007648, OMIM 137215.

Allele frequency attached by ClinVar (database versions not stated): TOPMed 0.00001.
gnomAD v4.1: 8 of 1,415,122 alleles (0.00057%); highest among the groups gnomAD compares: Non-Finnish European, 0.0008%; no homozygotes.

Submission:

European Reference Network on Genetic Tumour Risk Syndromes (ERN-GENTURIS), i3s - Instituto de Investigação e Inovação em Saúde, University of Porto
Classification: Uncertain significance for Hereditary diffuse gastric adenocarcinoma. Last evaluated: 2022-08-01. Review status: criteria provided, single submitter. Criteria: Lee et al. (Hum Mutat. 2018). Collection method: clinical testing. Allele origin: germline. Inheritance: Autosomal dominant inheritance. Affected: no. Study: ERN GENTURIS.
Comment: PM2 (PMID: 30311375)

Literature cited by the submitters: PubMed 36436516.

NM_004360.5(CDH1):c.*55G>A

Gene: CDH1 (cadherin 1; plus strand). Cytogenetic location: 16q22.1.
Variant type: single nucleotide variant.
Coding change: c.*55G>A on transcript NM_004360.5 (MANE Select); 55 bases downstream of the stop codon, G replaced by A.
Molecular consequence: 3 prime UTR variant.
Genome position (GRCh38, 1-based): chr16:68,833,554, G>A. VCF-style: chr16-68833554-G-A. GRCh37 (hg19) VCF-style: chr16-68867457-G-A.
Other names: c.*55G>A (NM_001317184.2, NM_001317185.2, NM_001317186.2).
Identifiers: ClinVar variation 2503016 (VCV002503016.1), dbSNP rs897835719, ClinGen allele CA283319848.